The following is an entry in ClinVar:

ClinVar aggregate classification (germline): Uncertain significance (1 of 4 stars; one submission).

gnomAD v4.1: 14 of 1,611,770 alleles (0.00087%); highest among the groups gnomAD compares: Non-Finnish European, 0.0012%; no homozygotes.

Submission:

CeGaT Center for Human Genetics Tuebingen
Classification: Uncertain significance. Last evaluated: 2026-03-01. Review status: criteria provided, single submitter. Criteria: CeGaT Center For Human Genetics Tuebingen Variant Classification Criteria Version 2. Collection method: clinical testing. Allele origin: germline. Affected: yes. Observed: 1 variant allele.
Comment: LTBP4: PM2, BP1, BP4

NM_001042545.2(LTBP4):c.2159C>G (p.Thr720Ser)

Gene: LTBP4 (latent transforming growth factor beta binding protein 4; plus strand). Cytogenetic location: 19q13.2.
Variant type: single nucleotide variant.
Coding change: c.2159C>G on transcript NM_001042545.2 (MANE Select); coding-DNA position 2159, C replaced by G.
Protein change: p.Thr720Ser; replaces threonine 720 with serine.
Molecular consequence: missense variant.
Genome position (GRCh38, 1-based): chr19:40,611,964, C>G. VCF-style: chr19-40611964-C-G. GRCh37 (hg19) VCF-style: chr19-41117870-C-G.
Other names: c.2360C>G, p.Thr787Ser (NM_001042544.1); c.2249C>G, p.Thr750Ser (NM_003573.2); short protein forms T720S, T750S, T787S.
Identifiers: ClinVar variation 4821663 (VCV004821663.4).